The following is an entry in ClinVar:

ClinVar aggregate classification (germline): Uncertain significance (1 of 4 stars; one submission).

Conditions:
Developmental and epileptic encephalopathy, 31A. Also called: Epileptic encephalopathy, early infantile, 31; Developmental and epileptic encephalopathy, 31. Identifiers: Orphanet 2382, MedGen C4225357, MONDO:0014598, OMIM 616346.

Submission:

Labcorp Genetics (formerly Invitae), Labcorp
Classification: Uncertain significance for Developmental and epileptic encephalopathy, 31A. Last evaluated: 2024-03-03. Review status: criteria provided, single submitter. Criteria: Invitae Variant Classification Sherloc (09022015). Collection method: clinical testing. Allele origin: germline.
Comment: This sequence change replaces lysine, which is basic and polar, with glutamic acid, which is acidic and polar, at codon 426 of the DNM1 protein (p.Lys426Glu). This variant is not present in population databases (gnomAD no frequency). This variant has not been reported in the literature in individuals affected with DNM1-related conditions. Advanced modeling of protein sequence and biophysical properties (such as structural, functional, and spatial information, amino acid conservation, physicochemical variation, residue mobility, and thermodynamic stability) performed at Invitae indicates that this missense variant is not expected to disrupt DNM1 protein function with a negative predictive value of 80%. In summary, the available evidence is currently insufficient to determine the role of this variant in disease. Therefore, it has been classified as a Variant of Uncertain Significance.

NM_004408.4(DNM1):c.1276A>G (p.Lys426Glu)

Gene: DNM1 (dynamin 1; plus strand). Cytogenetic location: 9q34.11.
Variant type: single nucleotide variant.
Coding change: c.1276A>G on transcript NM_004408.4 (MANE Select); coding-DNA position 1276, A replaced by G.
Protein change: p.Lys426Glu; replaces lysine 426 with glutamic acid.
Molecular consequence: missense variant. On other transcripts: intron variant (3).
Genome position (GRCh38, 1-based): chr9:128,224,330, A>G. VCF-style: chr9-128224330-A-G. GRCh37 (hg19) VCF-style: chr9-130986609-A-G.
Other names: c.1276A>G, p.Lys426Glu (NM_001005336.3, NM_001374269.1); c.1196+1470A>G (NM_001288738.2, NM_001288737.2, NM_001288739.2); short protein forms K426E.
Identifiers: ClinVar variation 3691436 (VCV003691436.2).